The following is an entry in ClinVar:

NM_006129.5(BMP1):c.2454C>T (p.Leu818=)

Gene: BMP1 (bone morphogenetic protein 1; plus strand). Cytogenetic location: 8p21.3.
Variant type: single nucleotide variant.
Coding change: c.2454C>T on transcript NM_006129.5 (MANE Select); coding-DNA position 2454, C replaced by T.
Protein change: p.Leu818=; no amino-acid change (leucine 818 retained).
Molecular consequence: synonymous variant. On other transcripts: non-coding transcript variant (1).
Genome position (GRCh38, 1-based): chr8:22,207,395, C>T. VCF-style: chr8-22207395-C-T. GRCh37 (hg19) VCF-style: chr8-22064908-C-T.
Identifiers: ClinVar variation 759595 (VCV000759595.8), dbSNP rs762229757, ClinGen allele CA4665260.

ClinVar aggregate classification (germline): Likely benign. Review status: criteria provided, multiple submitters, no conflicts (2 of 4 stars). 2 submissions from 2 submitters: Likely benign (2). Last evaluated 2026-05-29.

Conditions:
BMP1-related disorder. Also called: BMP1-related condition.

Allele frequency attached by ClinVar (database versions not stated): ExAC 0.00002; gnomAD 0.00003 and 0.00004; gnomAD exomes 0.00003 and 0.00005; TOPMed 0.00004.
gnomAD v4.1: 79 of 1,614,204 alleles (0.0049%); highest among the groups gnomAD compares: Non-Finnish European, 0.0059%; no homozygotes.

Submissions (2):

PreventionGenetics, part of Exact Sciences
Classification: Likely benign for BMP1-related condition. Last evaluated: 2026-05-29. Review status: criteria provided, single submitter. Criteria: ACMG Guidelines, 2015. Collection method: clinical testing. Allele origin: germline.
Comment: This variant is classified as likely benign based on ACMG/AMP sequence variant interpretation guidelines (Richards et al. 2015 PMID: 25741868, with internal and published modifications).

Labcorp Genetics (formerly Invitae), Labcorp
Classification: Likely benign. Last evaluated: 2025-10-15. Review status: criteria provided, single submitter. Criteria: Invitae Variant Classification Sherloc (09022015). Collection method: clinical testing. Allele origin: germline.